The following is an entry in ClinVar:

NM_014159.7(SETD2):c.467T>G (p.Leu156Arg)

Gene: SETD2 (SET domain containing 2, histone lysine methyltransferase; minus strand). Cytogenetic location: 3p21.31.
Variant type: single nucleotide variant.
Coding change: c.467T>G on transcript NM_014159.7 (MANE Select); coding-DNA position 467, T replaced by G.
Protein change: p.Leu156Arg; replaces leucine 156 with arginine.
Molecular consequence: missense variant. On other transcripts: non-coding transcript variant (1).
Genome position (GRCh38, 1-based): chr3:47,124,169, A>C on the plus strand (T>G on the coding strand, the complement: SETD2 is on the minus strand). VCF-style: chr3-47124169-A-C. GRCh37 (hg19) VCF-style: chr3-47165659-A-C.
Other names: c.335T>G, p.Leu112Arg (NM_001349370.3); short protein forms L156R, L112R.
Identifiers: ClinVar variation 4997159 (VCV004997159.1).

ClinVar aggregate classification (germline): Uncertain significance (1 of 4 stars; one submission).

Conditions:
SETD2-related disorder.

Submission:

PreventionGenetics, part of Exact Sciences
Classification: Uncertain significance for SETD2-related condition. Last evaluated: 2025-07-14. Review status: criteria provided, single submitter. Criteria: ACMG Guidelines, 2015. Collection method: clinical testing. Allele origin: germline.
Comment: The SETD2 c.467T>G variant is predicted to result in the amino acid substitution p.Leu156Arg. To our knowledge, this variant has not been reported in the literature or in a large population database (gnomAD), indicating this variant is rare. At this time, the clinical significance of this variant is uncertain due to the absence of conclusive functional and genetic evidence.